The following is an entry in ClinVar:

ClinVar aggregate classification (germline): Pathogenic. Review status: criteria provided, multiple submitters, no conflicts (2 of 4 stars). 6 submissions from 6 submitters: Pathogenic (5). 1 of the submissions does not count toward it. Last evaluated 2024-11-20.

Conditions:
CNGB3-related disorder. Also called: CNGB3-related disorders; CNGB3-related condition. Identifiers: MedGen CN239340.
Achromatopsia 3 (ACHM3). Also called: ACHROMATOPSIA WITH MYOPIA; PINGELAPESE BLINDNESS; TOTAL COLORBLINDNESS WITH MYOPIA; ROD MONOCHROMACY 1; ROD MONOCHROMATISM 1. Identifiers: Orphanet 49382, MedGen C1849792, MONDO:0009875, OMIM 262300.
Achromatopsia. Also called: Rod monochromatism. Identifiers: Orphanet 49382, MedGen C0152200, MONDO:0018852, HP:0011516.

Allele frequency attached by ClinVar (database versions not stated): gnomAD exomes below 0.00001.

Submissions (6):

Natera, Inc.
Classification: Pathogenic for Achromatopsia. Last evaluated: 2024-11-20. Review status: criteria provided, single submitter. Criteria: Natera Variant Classification Schema (03/2026). Collection method: clinical testing. Allele origin: germline.
Comment: The c.1815del variant in CNGB3 is a frameshift variant predicted to shift the reading frame beginning at codon 606 and leads to a stop codon 12 codons downstream. This variant is expected to result in nonsense mediated decay, truncation, or a dysfunctional protein product. This variant is rare in the general population with a frequency below the threshold expected for the associated phenotype(s). This variant has been observed in one or more individuals affected with the associated recessive disease, as either homozygous or compound heterozygous with a second variant (PMID: 28795510). Given the available evidence, this variant is classified as Pathogenic.

GeneDx
Classification: Pathogenic. Last evaluated: 2024-11-06. Review status: criteria provided, single submitter. Criteria: GeneDx Variant Classification Process June 2021. Collection method: clinical testing. Allele origin: germline. Affected: yes.
Comment: Frameshift variant predicted to result in protein truncation or nonsense mediated decay in a gene for which loss of function is a known mechanism of disease; Not observed at significant frequency in large population cohorts (gnomAD); This variant is associated with the following publications: (PMID: 31964843, 28795510)

Myriad Genetics, Inc.
Classification: Pathogenic for Achromatopsia 3. Last evaluated: 2024-05-08. Review status: criteria provided, single submitter. Criteria: Myriad Autosomal Dominant, Autosomal Recessive and X-Linked Classification Criteria (2023). Collection method: clinical testing. Allele origin: unknown.
Comment: NM_019098.4(CNGB3):c.1815delT(A606Pfs*12) is expected to be pathogenic in the context of achromatopsia, CNGB3-related. This variant is predicted to lead to an abnormal or absent protein product due to the creation of a premature termination codon in CNGB3, a gene where loss-of-function variants are known to be pathogenic. Please note: this variant was assessed in the context of healthy population screening.

Blueprint Genetics
Classification: Pathogenic for CNGB3-related disorders. Last evaluated: 2022-08-24. Review status: criteria provided, single submitter. Criteria: ACMG Guidelines, 2015. Collection method: clinical testing. Allele origin: germline. Affected: yes. Observed: 1 variant allele.

Labcorp Genetics (formerly Invitae), Labcorp
Classification: Pathogenic. Last evaluated: 2021-05-12. Review status: criteria provided, single submitter. Criteria: Invitae Variant Classification Sherloc (09022015). Collection method: clinical testing. Allele origin: germline.
Comment: This sequence change creates a premature translational stop signal (p.Ala606Profs*12) in the CNGB3 gene. It is expected to result in an absent or disrupted protein product. Loss-of-function variants in CNGB3 are known to be pathogenic (PMID: 28795510). This variant is not present in population databases (ExAC no frequency). This variant has been observed in individual(s) with achromatopsia (PMID: 28795510). ClinVar contains an entry for this variant (Variation ID: 427666). For these reasons, this variant has been classified as Pathogenic.

Molecular Genetics Laboratory, Institute for Ophthalmic Research
Classification: Pathogenic for ACHM3. Last evaluated: 2017-03-27. Review status: no assertion criteria provided. Collection method: research. Allele origin: germline. Affected: yes. Not counted in ClinVar's aggregate classification.

Literature cited by the submitters: PubMed 28795510 (cited by 3 submitters).

NM_019098.5(CNGB3):c.1815del (p.Ala606fs)

Gene: CNGB3 (cyclic nucleotide gated channel subunit beta 3; minus strand). Cytogenetic location: 8q21.3.
Variant type: Deletion.
Coding change: c.1815del on transcript NM_019098.5 (MANE Select); coding-DNA position 1815, one base deleted (T; older notation c.1815delT).
Protein change: p.Ala606fs; shifts the reading frame from alanine 606.
Molecular consequence: frameshift variant.
Genome position (GRCh38, 1-based): chr8:86,579,219, A deleted on the plus strand (T on the coding strand, the reverse complement: CNGB3 is on the minus strand). VCF-style (leftmost placement, unchanged base first): chr8-86579218-CA-C. GRCh37 (hg19) VCF-style: chr8-87591446-CA-C.
Other names: c.1815delT (NM_019098.4); c.1815del (NM_019098.4); short protein forms A606fs.
Identifiers: ClinVar variation 427666 (VCV000427666.10), dbSNP rs1362472371, ClinGen allele CA582907218.